The following is an entry in ClinVar:

NM_000051.4(ATM):c.3994-2A>C

Gene: ATM (ATM serine/threonine kinase; plus strand). Cytogenetic location: 11q22.3.
Variant type: single nucleotide variant.
Coding change: c.3994-2A>C on transcript NM_000051.4 (MANE Select); the canonical splice acceptor site of the intron before coding-DNA position 3994, A replaced by C.
Molecular consequence: splice acceptor variant.
Genome position (GRCh38, 1-based): chr11:108,287,598, A>C. VCF-style: chr11-108287598-A-C. GRCh37 (hg19) VCF-style: chr11-108158325-A-C.
Other names: c.3994-2A>C (NM_001351834.2).
Identifiers: ClinVar variation 490553 (VCV000490553.8), dbSNP rs587782276, ClinGen allele CA382527395.
Genomic context (GRCh38, chr11:108,287,598, plus strand): 5'-GAGCTGTCTTGACGTTCACAGATATAAAATATTAAATATATTTTAATTTTGTGCCCTTGC[A>C]GATTGATCACTTATTCATTAGTAATTTACCAGAGATTGTGGTGGAGTTATTGATGACGTT-3'

ClinVar aggregate classification (germline): Likely pathogenic. Review status: criteria provided, multiple submitters, no conflicts (2 of 4 stars). 4 submissions from 4 submitters: Likely pathogenic (4). Last evaluated 2025-08-19.

Conditions:
ATM-related disorder. Also called: ATM-related disorders; ATM-related condition.
Familial cancer of breast. Also called: Hereditary breast cancer; BREAST CANCER, FAMILIAL; hereditary breast carcinoma. Identifiers: Orphanet 227535, MedGen C0346153, MONDO:0016419, OMIM 114480. Disease mechanism: loss of function.
Hereditary cancer-predisposing syndrome. Also called: Hereditary Cancer Syndrome; Neoplastic Syndromes, Hereditary; Tumor predisposition; Hereditary neoplastic syndrome. Identifiers: Orphanet 140162, MedGen C0027672, MeSH D009386, MONDO:0015356.

Submissions (4):

Ambry Genetics
Classification: Likely pathogenic for Hereditary cancer-predisposing syndrome. Last evaluated: 2025-08-19. Review status: criteria provided, single submitter. Criteria: Ambry Variant Classification Scheme 2023. Collection method: clinical testing. Allele origin: germline.
Comment: The c.3994-2A>C intronic variant results from an A to C substitution two nucleotides upstream from coding exon 26 in the ATM gene. This variant is considered to be rare based on population cohorts in the Genome Aggregation Database (gnomAD). This nucleotide position is highly conserved in available vertebrate species. In silico splice site analysis predicts that this alteration will weaken the native splice acceptor site and will result in the creation or strengthening of a novel splice acceptor site. RNA studies have demonstrated that this alteration results in abnormal splicing in the set of samples tested (Ambry internal data). Alterations that disrupt the canonical splice site are expected to cause aberrant splicing, resulting in an abnormal protein or a transcript that is subject to nonsense-mediated mRNA decay. As such, this alteration is classified as likely pathogenic.

Myriad Genetics, Inc.
Classification: Likely pathogenic for Familial cancer of breast. Last evaluated: 2023-09-14. Review status: criteria provided, single submitter. Criteria: Myriad Autosomal Dominant, Autosomal Recessive and X-Linked Classification Criteria (2023). Collection method: clinical testing. Allele origin: unknown.
Comment: This variant is considered likely pathogenic. This variant occurs within a consensus splice junction and is predicted to result in abnormal mRNA splicing of either an out-of-frame exon or an in-frame exon necessary for protein stability and/or normal function.

Color Diagnostics, LLC DBA Color Health
Classification: Likely pathogenic for Hereditary cancer-predisposing syndrome. Last evaluated: 2020-05-21. Review status: criteria provided, single submitter. Criteria: ACMG Guidelines, 2015. Collection method: clinical testing. Allele origin: germline.
Comment: This variant causes an A to C nucleotide substitution at the -2 position of intron 26 of the ATM gene. Splice site prediction tools predict that this variant may have a significant impact on RNA splicing. Although this prediction has not been confirmed in published RNA studies, this variant is expected to result in an absent or disrupted protein product. To our knowledge, functional studies have not been reported for this variant. This variant has not been reported in individuals affected with hereditary cancer in the literature. This variant has not been identified in the general population by the Genome Aggregation Database (gnomAD). Loss of ATM function is a known mechanism of disease. Based on the available evidence, this variant is classified as Likely Pathogenic.

Rady Children's Institute for Genomic Medicine, Rady Children's Hospital San Diego
Classification: Likely pathogenic for ATM-Related Disorders. Review status: criteria provided, single submitter. Criteria: ACMG Guidelines, 2015. Collection method: clinical testing. Allele origin: germline. Affected: yes.
Comment: This variant affects the canonical splice acceptor site of intron 27 and is therefore predicted to interfere with splicing and result in loss of normal protein function through either protein truncation or nonsense-mediated mRNA decay (NMD). This variant has not been previously reported or functionally characterized in the literature to our knowledge. A different nucleotide change at the same position (c.3994-2A>G) has been previously reported in individuals with breast cancer and a family history of pancreatic cancer (PMID: 28956312). Loss-of-function variation in ATM is an established mechanism of disease (PMID: 25614872, 23807571). The c.3994-2A>C variant is absent from the gnomAD population database and thus is presumed to be rare. Based on the available evidence, the c.3994-2A>C variant is classified as Likely Pathogenic.